The following is an entry in ClinVar:

NM_004656.4(BAP1):c.1882T>G (p.Ser628Ala)

Gene: BAP1 (BRCA1 associated deubiquitinase 1; minus strand). Cytogenetic location: 3p21.1.
Variant type: single nucleotide variant.
Coding change: c.1882T>G on transcript NM_004656.4 (MANE Select); coding-DNA position 1882, T replaced by G.
Protein change: p.Ser628Ala; replaces serine 628 with alanine.
Molecular consequence: missense variant.
Genome position (GRCh38, 1-based): chr3:52,403,146, A>C on the plus strand (T>G on the coding strand, the complement: BAP1 is on the minus strand). VCF-style: chr3-52403146-A-C. GRCh37 (hg19) VCF-style: chr3-52437162-A-C.
Other names: c.1882T>G (NM_004656.2); short protein forms S628A.
Identifiers: ClinVar variation 922537 (VCV000922537.4), dbSNP rs1705020085, ClinGen allele CA353097912.

ClinVar aggregate classification (germline): Conflicting classifications of pathogenicity. Review status: criteria provided, conflicting classifications (1 of 4 stars). 2 submissions from 2 submitters: Uncertain significance (1); Likely benign (1). Last evaluated 2025-05-27.

Conditions:
Hereditary cancer-predisposing syndrome. Also called: Neoplastic Syndromes, Hereditary; Tumor predisposition; Hereditary Cancer Syndrome; Hereditary neoplastic syndrome. Identifiers: Orphanet 140162, MedGen C0027672, MeSH D009386, MONDO:0015356.

Submissions (2):

Ambry Genetics
Classification: Likely benign for Hereditary cancer-predisposing syndrome. Last evaluated: 2025-05-27. Review status: criteria provided, single submitter. Criteria: Ambry Variant Classification Scheme 2023. Collection method: clinical testing. Allele origin: germline.

Color Diagnostics, LLC DBA Color Health
Classification: Uncertain significance for Hereditary cancer-predisposing syndrome. Last evaluated: 2019-07-18. Review status: criteria provided, single submitter. Criteria: ACMG Guidelines, 2015. Collection method: clinical testing. Allele origin: germline.
Comment: This missense variant replaces serine with alanine at codon 628 of the BAP1 protein. Computational prediction tools and conservation analyses are inconclusive regarding the impact of this variant on the protein function. Computational splicing tools suggest that this variant may not impact RNA splicing. To our knowledge, functional assays have not been performed for this variant nor has this variant been reported in individuals affected with hereditary cancer in the literature. This variant has not been identified in the general population by the Genome Aggregation Database (gnomAD). Available evidence is insufficient to determine the role of this variant in disease conclusively. Therefore, this variant is classified as a Variant of Uncertain Significance.

Literature cited by the submitters: PubMed 38969833 (cited by Ambry Genetics).